The following is an entry in ClinVar:

ClinVar aggregate classification (germline): Uncertain significance (1 of 4 stars; one submission).

Allele frequency attached by ClinVar (database versions not stated): gnomAD exomes below 0.00001; ExAC 0.00001; gnomAD 0.00003; ESP Exome Variant Server 0.00008.
gnomAD v4.1: 9 of 1,614,038 alleles (0.00056%); highest among the groups gnomAD compares: Admixed American, 0.005%; no homozygotes.

Submission:

Labcorp Genetics (formerly Invitae), Labcorp
Classification: Uncertain significance. Last evaluated: 2024-12-05. Review status: criteria provided, single submitter. Criteria: Invitae Variant Classification Sherloc (09022015). Collection method: clinical testing. Allele origin: germline.
Comment: This sequence change replaces proline, which is neutral and non-polar, with serine, which is neutral and polar, at codon 2435 of the FLNB protein (p.Pro2435Ser). This variant is present in population databases (rs149342655, gnomAD no frequency). This variant has not been reported in the literature in individuals affected with FLNB-related conditions. ClinVar contains an entry for this variant (Variation ID: 1917750). Invitae Evidence Modeling of protein sequence and biophysical properties (such as structural, functional, and spatial information, amino acid conservation, physicochemical variation, residue mobility, and thermodynamic stability) indicates that this missense variant is not expected to disrupt FLNB protein function with a negative predictive value of 95%. In summary, the available evidence is currently insufficient to determine the role of this variant in disease. Therefore, it has been classified as a Variant of Uncertain Significance.

NM_001457.4(FLNB):c.7303C>T (p.Pro2435Ser)

Genes: FLNB (filamin B; plus strand), FLNB-AS1 (FLNB antisense RNA 1; minus strand). Cytogenetic location: 3p14.3.
Variant type: single nucleotide variant.
Coding change: c.7303C>T on transcript NM_001457.4 (MANE Select); coding-DNA position 7303, C replaced by T.
Protein change: p.Pro2435Ser; replaces proline 2435 with serine.
Molecular consequence: missense variant.
Genome position (GRCh38, 1-based): chr3:58,168,544, C>T. VCF-style: chr3-58168544-C-T. GRCh37 (hg19) VCF-style: chr3-58154271-C-T.
Other names: c.7396C>T, p.Pro2466Ser (NM_001164317.2); c.7270C>T, p.Pro2424Ser (NM_001164318.2); c.7231C>T, p.Pro2411Ser (NM_001164319.2); short protein forms P2424S, P2466S, P2411S, P2435S.
Identifiers: ClinVar variation 1917750 (VCV001917750.5), dbSNP rs149342655, ClinGen allele CA2469654.